The following is an entry in ClinVar:

NM_004655.4(AXIN2):c.1650C>T (p.Tyr550=)

Gene: AXIN2 (axin 2; minus strand). Cytogenetic location: 17q24.1.
Variant type: single nucleotide variant.
Coding change: c.1650C>T on transcript NM_004655.4 (MANE Select); coding-DNA position 1650, C replaced by T.
Protein change: p.Tyr550=; no amino-acid change (tyrosine 550 retained).
Molecular consequence: synonymous variant.
Genome position (GRCh38, 1-based): chr17:65,537,386, G>A on the plus strand (C>T on the coding strand, the complement: AXIN2 is on the minus strand). VCF-style: chr17-65537386-G-A. GRCh37 (hg19) VCF-style: chr17-63533504-G-A.
Other names: c.1650C>T, p.Tyr550= (NM_001363813.1).
Identifiers: ClinVar variation 1150358 (VCV001150358.12), dbSNP rs978914669, ClinGen allele CA293098183.

ClinVar aggregate classification (germline): Benign/Likely benign. Review status: criteria provided, multiple submitters, no conflicts (2 of 4 stars). 3 submissions from 3 submitters: Benign (1); Likely benign (2). Last evaluated 2025-12-17.

Conditions:
Hereditary cancer-predisposing syndrome. Also called: Tumor predisposition; Neoplastic Syndromes, Hereditary; Hereditary neoplastic syndrome; Hereditary Cancer Syndrome. Identifiers: Orphanet 140162, MedGen C0027672, MeSH D009386, MONDO:0015356.
Oligodontia-cancer predisposition syndrome. Also called: TOOTH AGENESIS-COLORECTAL CANCER SYNDROME. Identifiers: Orphanet 300576, MedGen C1837750, MONDO:0012075, OMIM 608615. Disease mechanism: loss of function.

Allele frequency attached by ClinVar (database versions not stated): gnomAD exomes 0.00001; TOPMed 0.00001; gnomAD 0.00003.
gnomAD v4.1: 13 of 1,613,968 alleles (0.00081%); highest among the groups gnomAD compares: Admixed American, 0.01%; no homozygotes.

Submissions (3):

Labcorp Genetics (formerly Invitae), Labcorp
Classification: Likely benign for Oligodontia-cancer predisposition syndrome. Last evaluated: 2025-12-17. Review status: criteria provided, single submitter. Criteria: Invitae Variant Classification Sherloc (09022015). Collection method: clinical testing. Allele origin: germline.

Myriad Genetics, Inc.
Classification: Benign for Oligodontia-cancer predisposition syndrome. Last evaluated: 2024-07-05. Review status: criteria provided, single submitter. Criteria: Myriad Autosomal Dominant, Autosomal Recessive and X-Linked Classification Criteria (2023). Collection method: clinical testing. Allele origin: unknown.
Comment: This variant is considered benign. This variant is a silent/synonymous amino acid change and it is not expected to impact splicing.

Ambry Genetics
Classification: Likely benign for Hereditary cancer-predisposing syndrome. Last evaluated: 2022-04-05. Review status: criteria provided, single submitter. Criteria: Ambry Variant Classification Scheme 2023. Collection method: clinical testing. Allele origin: germline.